The following is an entry in ClinVar:

ClinVar aggregate classification (germline): Uncertain significance. Review status: criteria provided, multiple submitters, no conflicts (2 of 4 stars). 2 submissions from 2 submitters: Uncertain significance (2). Last evaluated 2025-10-30.

Conditions:
Osteogenesis imperfecta type I (OI1). Also called: Classic Non-deforming Osteogenesis Imperfecta with Blue Sclerae; OI, TYPE I; OSTEOGENESIS IMPERFECTA TARDA; OSTEOGENESIS IMPERFECTA WITH BLUE SCLERAE; Osteogenesis imperfecta type 1; Lobstein's Disease. Identifiers: Orphanet 216796, Orphanet 666, MedGen C0023931, MONDO:0008146, OMIM 166200. Disease mechanism: loss of function.

Allele frequency attached by ClinVar (database versions not stated): TOPMed below 0.00001.

Submissions (2):

Mayo Clinic Laboratories, Mayo Clinic
Classification: Uncertain significance. Last evaluated: 2025-10-30. Review status: criteria provided, single submitter. Criteria: ACMG Guidelines, 2015. Collection method: clinical testing. Allele origin: germline. Observed: 1 variant allele.
Comment: PP3_moderate, PM1, PM2_supporting

Labcorp Genetics (formerly Invitae), Labcorp
Classification: Uncertain significance for Osteogenesis imperfecta type I. Last evaluated: 2021-04-22. Review status: criteria provided, single submitter. Criteria: Invitae Variant Classification Sherloc (09022015). Collection method: clinical testing. Allele origin: germline.
Comment: This sequence change replaces lysine with glutamic acid at codon 586 of the COL1A1 protein (p.Lys586Glu). The lysine residue is highly conserved and there is a small physicochemical difference between lysine and glutamic acid. This variant is not present in population databases (ExAC no frequency). This variant has not been reported in the literature in individuals with COL1A1-related conditions. Advanced modeling of protein sequence and biophysical properties (such as structural, functional, and spatial information, amino acid conservation, physicochemical variation, residue mobility, and thermodynamic stability) performed at Invitae indicates that this missense variant is not expected to disrupt COL1A1 protein function. In summary, the available evidence is currently insufficient to determine the role of this variant in disease. Therefore, it has been classified as a Variant of Uncertain Significance.

NM_000088.4(COL1A1):c.1756A>G (p.Lys586Glu)

Gene: COL1A1 (collagen type I alpha 1 chain; minus strand). Cytogenetic location: 17q21.33.
Variant type: single nucleotide variant.
Coding change: c.1756A>G on transcript NM_000088.4 (MANE Select); coding-DNA position 1756, A replaced by G.
Protein change: p.Lys586Glu; replaces lysine 586 with glutamic acid.
Molecular consequence: missense variant.
Genome position (GRCh38, 1-based): chr17:50,193,954, T>C on the plus strand (A>G on the coding strand, the complement: COL1A1 is on the minus strand). VCF-style: chr17-50193954-T-C. GRCh37 (hg19) VCF-style: chr17-48271315-T-C.
Other names: p.Lys586Glu; c.1756A>G (NM_000088.3); short protein forms K586E.
Identifiers: ClinVar variation 1415790 (VCV001415790.9), dbSNP rs1321629414, ClinGen allele CA400215162.